The following is an entry in ClinVar:

NM_001042492.3(NF1):c.584A>G (p.Lys195Arg)

Gene: NF1 (neurofibromin 1; plus strand). Cytogenetic location: 17q11.2.
Variant type: single nucleotide variant.
Coding change: c.584A>G on transcript NM_001042492.3 (MANE Select); coding-DNA position 584, A replaced by G.
Protein change: p.Lys195Arg; replaces lysine 195 with arginine.
Molecular consequence: missense variant.
Genome position (GRCh38, 1-based): chr17:31,169,995, A>G. VCF-style: chr17-31169995-A-G. GRCh37 (hg19) VCF-style: chr17-29497013-A-G.
Other names: c.584A>G, p.Lys195Arg (NM_000267.4, NM_001128147.3); short protein forms K195R.
Identifiers: ClinVar variation 134888 (VCV000134888.31), dbSNP rs587778552, ClinGen allele CA161060.

ClinVar aggregate classification (germline): Conflicting classifications of pathogenicity. Review status: criteria provided, conflicting classifications (1 of 4 stars). 11 submissions from 10 submitters: Uncertain significance (6); Likely benign (4). 1 of the submissions does not count toward it. Last evaluated 2025-09-17.

Conditions:
Hereditary cancer-predisposing syndrome. Also called: Tumor predisposition; Hereditary neoplastic syndrome; Hereditary Cancer Syndrome; Neoplastic Syndromes, Hereditary. Identifiers: Orphanet 140162, MedGen C0027672, MeSH D009386, MONDO:0015356.
Cardiovascular phenotype. Identifiers: MedGen CN230736.
Neurofibromatosis, type 1 (NF1). Also called: NEUROFIBROMATOSIS, TYPE I, SOMATIC; VON RECKLINGHAUSEN DISEASE; Neurofibromatosis, type I; Peripheral type neurofibromatosis. Identifiers: Orphanet 636, MedGen C0027831, MONDO:0018975, OMIM 162200. Disease mechanism: loss of function.

Allele frequency attached by ClinVar (database versions not stated): gnomAD 0.00001; gnomAD exomes 0.00001; TOPMed 0.00002; ExAC 0.00003.
gnomAD v4.1: 19 of 1,595,204 alleles (0.0012%); highest among the groups gnomAD compares: African/African-American, 0.0054%; no homozygotes.

Submissions (11):

Labcorp Genetics (formerly Invitae), Labcorp
Classification: Likely benign for Neurofibromatosis, type 1. Last evaluated: 2025-09-17. Review status: criteria provided, single submitter. Criteria: Invitae Variant Classification Sherloc (09022015). Collection method: clinical testing. Allele origin: germline.

Women's Health and Genetics/Laboratory Corporation of America, LabCorp
Classification: Uncertain significance. Last evaluated: 2025-05-02. Review status: criteria provided, single submitter. Criteria: LabCorp Variant Classification Summary - May 2015. Collection method: clinical testing. Allele origin: germline.
Comment: Variant summary: NF1 c.584A>G (p.Lys195Arg) results in a conservative amino acid change in the encoded protein sequence. Algorithms developed to predict the effect of missense changes on protein structure and function are either unavailable or do not agree on the potential impact of this missense change. Consensus agreement among computation tools predict no significant impact on normal splicing. However, these predictions have yet to be confirmed by functional studies. The variant allele was found at a frequency of 1.2e-05 in 250224 control chromosomes. The available data on variant occurrences in the general population are insufficient to allow any conclusion about variant significance. c.584A>G has been observed in individual(s) affected with Neurofibromatosis Type 1, however the variant was inherited from the unaffected mother (example: Martorana_2023). These report(s) do not provide unequivocal conclusions about association of the variant with Neurofibromatosis Type 1. To our knowledge, no experimental evidence demonstrating an impact on protein function has been reported. The following publications have been ascertained in the context of this evaluation (PMID: 31159747, 37751797). ClinVar contains an entry for this variant (Variation ID: 134888). Based on the evidence outlined above, the variant was classified as uncertain significance.

CeGaT Center for Human Genetics Tuebingen
Classification: Likely benign. Last evaluated: 2025-01-01. Review status: criteria provided, single submitter. Criteria: CeGaT Center For Human Genetics Tuebingen Variant Classification Criteria Version 2. Collection method: clinical testing. Allele origin: germline. Affected: yes. Observed: 1 variant allele.
Comment: NF1: BP4

Ambry Genetics
Classification: Likely benign for Cardiovascular phenotype; Hereditary cancer-predisposing syndrome. Last evaluated: 2023-04-27. Review status: criteria provided, single submitter. Criteria: Ambry Variant Classification Scheme 2023. Collection method: clinical testing. Allele origin: germline.

Medical Genetics, University of Parma
Classification: Likely benign for Neurofibromatosis, type 1. Last evaluated: 2022-08-17. Review status: criteria provided, single submitter. Criteria: ACMG Guidelines, 2015. Collection method: clinical testing. Allele origin: germline. Inheritance: Autosomal dominant inheritance. Affected: yes.

Genome-Nilou Lab
Classification: Uncertain significance for Neurofibromatosis, type 1. Last evaluated: 2022-03-15. Review status: criteria provided, single submitter. Criteria: ACMG Guidelines, 2015. Collection method: clinical testing. Allele origin: germline. Affected: no.

GeneDx
Classification: Uncertain significance. Last evaluated: 2021-05-19. Review status: criteria provided, single submitter. Criteria: GeneDx Variant Classification Process June 2021. Collection method: clinical testing. Allele origin: germline. Affected: yes.
Comment: Observed in individuals referred for hereditary cancer genetic testing (Tsaousis et al., 2019); In silico analysis supports that this missense variant does not alter protein structure/function; This variant is associated with the following publications: (PMID: 31159747, 24728327)

Centre for Mendelian Genomics, University Medical Centre Ljubljana
Classification: Uncertain significance for Neurofibromatosis, type 1. Last evaluated: 2019-03-01. Review status: criteria provided, single submitter. Criteria: ACMG Guidelines, 2015. Collection method: clinical testing. Allele origin: unknown. Affected: yes.
Comment: This variant was classified as: Uncertain significance. The available evidence on this variant's pathogenicity is insufficient or conflicting. The following ACMG criteria were applied in classifying this variant: PM1,BP4.

GeneKor MSA
Classification: Uncertain significance for Hereditary cancer-predisposing syndrome. Last evaluated: 2018-08-01. Review status: criteria provided, single submitter. Criteria: ACMG Guidelines, 2015. Collection method: clinical testing. Allele origin: germline.

Ambry Genetics
Classification: Uncertain significance for Hereditary cancer-predisposing syndrome. Last evaluated: 2016-01-14. Review status: criteria provided, single submitter. Criteria: Ambry Autosomal Dominant and X-Linked criteria (10/2015). Collection method: clinical testing. Allele origin: germline. Observed: 1 variant allele.
Comment: The p.K195R variant (also known as c.584A>G), located in coding exon 5 of the NF1 gene, results from an A to G substitution at nucleotide position 584. The lysine at codon 195 is replaced by arginine, an amino acid with highly similar properties. This alteration was reported with an allele frequency of 0.007in a cohort of 681 healthy individuals undergoing whole genome sequencing (Bodian et al.PLoS ONE; 9(4):e94554).This variant was not reported in population based cohorts in the following databases: Database of Single Nucleotide Polymorphisms (dbSNP), NHLBI Exome Sequencing Project (ESP), and 1000 Genomes Project. In the ESP, this variant was not observed in 6500 samples (13000 alleles) with coverage at this position.<span style="background-color:initial">To date, this alteration has been detected with an allele frequency of approximately 0.005% (greater than 110000 alleles tested) in our clinical cohort.<span style="background-color:initial">This amino acid position is not well conserved in available vertebrate species. In addition, this alteration is predicted to be tolerated by in silico analysis.<span style="background-color:initial">Since supporting evidence is limited at this time, the clinical significance of<span style="background-color:initial">p.K195R<span style="background-color:initial">remains unclear.

ITMI
No classification provided. Condition: AllHighlyPenetrant. Last evaluated: 2013-09-19. Review status: no classification provided. Collection method: reference population. Allele origin: germline. Not counted in ClinVar's aggregate classification.
Comment: Please see associated publication for description of ethnicities

Literature cited by the submitters: PubMed 10678181 (cited by Women's Health and Genetics/Laboratory Corporation of America, LabCorp); PubMed 23460398 (cited by Women's Health and Genetics/Laboratory Corporation of America, LabCorp); PubMed 29872168 (cited by Women's Health and Genetics/Laboratory Corporation of America, LabCorp); PubMed 31159747 (cited by Women's Health and Genetics/Laboratory Corporation of America, LabCorp); PubMed 37751797 (cited by Women's Health and Genetics/Laboratory Corporation of America, LabCorp); PubMed 24728327 (cited by Ambry Genetics and ITMI).